The following is an entry in ClinVar:

NM_001127392.3(MYRF):c.399-4G>A

Gene: MYRF (myelin regulatory factor; plus strand). Cytogenetic location: 11q12.2.
Variant type: single nucleotide variant.
Coding change: c.399-4G>A on transcript NM_001127392.3 (MANE Select); 4 bases into the intron before coding-DNA position 399, G replaced by A.
Molecular consequence: intron variant.
Genome position (GRCh38, 1-based): chr11:61,769,256, G>A. VCF-style: chr11-61769256-G-A. GRCh37 (hg19) VCF-style: chr11-61536728-G-A.
Other names: c.372-4G>A (NM_013279.4).
Identifiers: ClinVar variation 3047490 (VCV003047490.3), dbSNP rs376809163, ClinGen allele CA6037543.

ClinVar aggregate classification (germline): Likely benign. Review status: criteria provided, single submitter (1 of 4 stars). 2 submissions from 2 submitters: Likely benign (1). 1 of the submissions does not count toward it. Last evaluated 2023-06-29.

Conditions:
MYRF-related disorder. Also called: MYRF-related disorders; MYRF-related condition.

Allele frequency attached by ClinVar (database versions not stated): gnomAD 0.00009; ESP Exome Variant Server 0.00015; ExAC 0.00027; 1000 Genomes Project 0.00040; 1000 Genomes Project 30x 0.00062.
gnomAD v4.1: 225 of 1,595,466 alleles (0.014%); highest among the groups gnomAD compares: Non-Finnish European, 0.018%; no homozygotes.

Submissions (2):

Blueprint Genetics
Classification: Likely benign. Last evaluated: 2023-06-29. Review status: criteria provided, single submitter. Criteria: ACMG Guidelines, 2015. Collection method: clinical testing. Allele origin: germline.

PreventionGenetics, part of Exact Sciences
Classification: Likely benign for MYRF-related condition. Last evaluated: 2021-10-18. Review status: no assertion criteria provided. Collection method: clinical testing. Allele origin: germline. Not counted in ClinVar's aggregate classification.
Comment: This variant is classified as likely benign based on ACMG/AMP sequence variant interpretation guidelines (Richards et al. 2015 PMID: 25741868, with internal and published modifications).